The following is an entry in ClinVar:

ClinVar aggregate classification (germline): Uncertain significance. Review status: criteria provided, multiple submitters, no conflicts (2 of 4 stars). 2 submissions from 2 submitters: Uncertain significance (2). Last evaluated 2025-07-21.

Conditions:
RASopathy. Also called: rasopathies; Noonan spectrum disorder. Identifiers: Orphanet 536391, MedGen C5555857, MONDO:0021060.

Allele frequency attached by ClinVar (database versions not stated): gnomAD 0.00001; TOPMed 0.00001; gnomAD exomes 0.00003 and 0.00004; ExAC 0.00006.
gnomAD v4.1: 25 of 1,614,098 alleles (0.0015%); highest among the groups gnomAD compares: Non-Finnish European, 0.0014%; no homozygotes.

Submissions (2):

Women's Health and Genetics/Laboratory Corporation of America, LabCorp
Classification: Uncertain significance. Last evaluated: 2025-07-21. Review status: criteria provided, single submitter. Criteria: LabCorp Variant Classification Summary - May 2015. Collection method: clinical testing. Allele origin: germline.
Comment: Variant summary: CBL c.2515A>G (p.Ser839Gly) results in a non-conservative amino acid change in the encoded protein sequence. Algorithms developed to predict the effect of missense changes on protein structure and function are either unavailable or do not agree on the potential impact of this missense change. The variant allele was found at a frequency of 2.8e-05 in 251478 control chromosomes. The available data on variant occurrences in the general population are insufficient to allow any conclusion about variant significance. To our knowledge, no occurrence of c.2515A>G in individuals affected with Noonan Syndrome And Related Conditions and no experimental evidence demonstrating its impact on protein function have been reported. ClinVar contains an entry for this variant (Variation ID: 1374815). Based on the evidence outlined above, the variant was classified as uncertain significance.

Labcorp Genetics (formerly Invitae), Labcorp
Classification: Uncertain significance for RASopathy. Last evaluated: 2024-05-23. Review status: criteria provided, single submitter. Criteria: Invitae Variant Classification Sherloc (09022015). Collection method: clinical testing. Allele origin: germline.
Comment: This sequence change replaces serine, which is neutral and polar, with glycine, which is neutral and non-polar, at codon 839 of the CBL protein (p.Ser839Gly). This variant is present in population databases (rs748936051, gnomAD 0.008%). This variant has not been reported in the literature in individuals affected with CBL-related conditions. ClinVar contains an entry for this variant (Variation ID: 1374815). Advanced modeling of protein sequence and biophysical properties (such as structural, functional, and spatial information, amino acid conservation, physicochemical variation, residue mobility, and thermodynamic stability) performed at Invitae indicates that this missense variant is not expected to disrupt CBL protein function with a negative predictive value of 95%. In summary, the available evidence is currently insufficient to determine the role of this variant in disease. Therefore, it has been classified as a Variant of Uncertain Significance.

NM_005188.4(CBL):c.2515A>G (p.Ser839Gly)

Gene: CBL (Cbl proto-oncogene; plus strand). Cytogenetic location: 11q23.3.
Variant type: single nucleotide variant.
Coding change: c.2515A>G on transcript NM_005188.4 (MANE Select); coding-DNA position 2515, A replaced by G.
Protein change: p.Ser839Gly; replaces serine 839 with glycine.
Molecular consequence: missense variant.
Genome position (GRCh38, 1-based): chr11:119,299,575, A>G. VCF-style: chr11-119299575-A-G. GRCh37 (hg19) VCF-style: chr11-119170285-A-G.
Other names: short protein forms S839G.
Identifiers: ClinVar variation 1374815 (VCV001374815.9), dbSNP rs748936051, ClinGen allele CA6318800.